The following is an entry in ClinVar:

ClinVar aggregate classification (germline): Uncertain significance. Review status: criteria provided, multiple submitters, no conflicts (2 of 4 stars). 2 submissions from 2 submitters: Uncertain significance (2). Last evaluated 2024-03-28.

Conditions:
Colorectal cancer, susceptibility to, 1. Also called: COLORECTAL ADENOMA AND CANCER, SUSCEPTIBILITY TO; COLORECTAL CANCER, SUSCEPTIBILITY TO, ON CHROMOSOME 9. Identifiers: MedGen C1837315, MONDO:0012132, OMIM 608812.

gnomAD v4.1: 1 of 1,614,138 alleles (0.000062%); highest among the groups gnomAD compares: Admixed American, 0.0017%; no homozygotes.

Submissions (2):

Baylor Genetics
Classification: Uncertain significance for Colorectal cancer, susceptibility to, 1. Last evaluated: 2024-03-28. Review status: criteria provided, single submitter. Criteria: ACMG Guidelines, 2015. Collection method: clinical testing. Allele origin: unknown.

Labcorp Genetics (formerly Invitae), Labcorp
Classification: Uncertain significance. Last evaluated: 2023-11-19. Review status: criteria provided, single submitter. Criteria: Invitae Variant Classification Sherloc (09022015). Collection method: clinical testing. Allele origin: germline.
Comment: This sequence change replaces arginine, which is basic and polar, with glycine, which is neutral and non-polar, at codon 497 of the GALNT12 protein (p.Arg497Gly). This variant is present in population databases (no rsID available, gnomAD 0.003%). This variant has not been reported in the literature in individuals affected with GALNT12-related conditions. ClinVar contains an entry for this variant (Variation ID: 2133934). Advanced modeling of protein sequence and biophysical properties (such as structural, functional, and spatial information, amino acid conservation, physicochemical variation, residue mobility, and thermodynamic stability) performed at Invitae indicates that this missense variant is not expected to disrupt GALNT12 protein function with a negative predictive value of 80%. In summary, the available evidence is currently insufficient to determine the role of this variant in disease. Therefore, it has been classified as a Variant of Uncertain Significance.

NM_024642.5(GALNT12):c.1489C>G (p.Arg497Gly)

Gene: GALNT12 (polypeptide N-acetylgalactosaminyltransferase 12; plus strand). Cytogenetic location: 9q22.33.
Variant type: single nucleotide variant.
Coding change: c.1489C>G on transcript NM_024642.5 (MANE Select); coding-DNA position 1489, C replaced by G.
Protein change: p.Arg497Gly; replaces arginine 497 with glycine.
Molecular consequence: missense variant.
Genome position (GRCh38, 1-based): chr9:98,846,007, C>G. VCF-style: chr9-98846007-C-G. GRCh37 (hg19) VCF-style: chr9-101608289-C-G.
Other names: short protein forms R497G.
Identifiers: ClinVar variation 2133934 (VCV002133934.5), dbSNP rs775453262, ClinGen allele CA374221654.
Genomic context (GRCh38, chr9:98,846,007, plus strand): 5'-TGTGTTACATGTTGGCTGCCCCATTTTTAGTTTTTCGAGTACACGTCCCAGAAAGAAATA[C>G]GCTATAACACCCACCAGCCTGAGGGCTGCATTGCTGTGGAAGCAGGAATGGATACCCTTA-3'
Protein context (NP_078918.3, residues 487-507): FFEYTSQKEI[Arg497Gly]YNTHQPEGCI